The following is an entry in ClinVar:

ClinVar aggregate classification (germline): Uncertain significance. Review status: reviewed by expert panel (3 of 4 stars). 3 submissions from 3 submitters: Uncertain significance (1). 2 of the submissions do not count toward it. Last evaluated 2024-07-17.

Conditions:
Hereditary thrombocytopenia and hematologic cancer predisposition syndrome. Identifiers: Orphanet 71290, MedGen CN281654, MONDO:0011071.
Inborn genetic diseases. Identifiers: MedGen C0950123, MeSH D030342.
Hereditary thrombocytopenia and hematological cancer predisposition syndrome associated with RUNX1. Also called: Familial Platelet Disorder with Propensity to Acute Myelogenous Leukemia; Familial thrombocytopenia with propensity to acute myelogenous leukemia; RUNX1 Familial Platelet Disorder with Associated Myeloid Malignancies; PLATELET DISORDER, ASPIRIN-LIKE. Identifiers: Orphanet 71290, MedGen C1832388, MeSH C563324, MONDO:0100083, OMIM 601399.

Submissions (3):

ClinGen Myeloid Malignancy Variant Curation Expert Panel
Classification: Uncertain significance for Hereditary thrombocytopenia and hematologic cancer predisposition syndrome. Last evaluated: 2024-07-17. Review status: reviewed by expert panel. Criteria: ClinGen MyeloMalig ACMG Specifications v2. Collection method: curation. Allele origin: germline. Inheritance: Autosomal dominant inheritance.
Comment: NM_001754.5(RUNX1):c.803A>G (p.Gln268Arg) is a missense variant that is not present in gnomAD v2.1.1 and v3.1.2 (PM2_supporting). This variant has a REVEL score < 0.50 (0.468), and a SpliceAI score ≤ 0.20 (0.01) (BP4). In summary, the clinical significance of this variant is uncertain. ACMG/AMP criteria have been applied, as specified by the Myeloid Malignancy Variant Curation Expert Panel for RUNX1: BP4, PM2_supporting.

Ambry Genetics
Classification: Uncertain significance for Inborn genetic diseases. Last evaluated: 2026-08-23. Review status: criteria provided, single submitter. Criteria: Ambry Variant Classification Scheme 2023. Collection method: clinical testing. Allele origin: germline. Not counted in ClinVar's aggregate classification.
Comment: The p.Q268R variant (also known as c.803A>G), located in coding exon 6 of the RUNX1 gene, results from an A to G substitution at nucleotide position 803. The glutamine at codon 268 is replaced by arginine, an amino acid with highly similar properties. This amino acid position is conserved. In addition, this alteration is predicted to be deleterious by in silico analysis. Based on the available evidence, the clinical significance of this variant remains unclear.

Labcorp Genetics (formerly Invitae), Labcorp
Classification: Uncertain significance for Hereditary thrombocytopenia and hematological cancer predisposition syndrome associated with RUNX1. Last evaluated: 2024-12-12. Review status: criteria provided, single submitter. Criteria: Invitae Variant Classification Sherloc (09022015). Collection method: clinical testing. Allele origin: germline. Not counted in ClinVar's aggregate classification.
Comment: This sequence change replaces glutamine, which is neutral and polar, with arginine, which is basic and polar, at codon 268 of the RUNX1 protein (p.Gln268Arg). This variant is not present in population databases (gnomAD no frequency). This variant has not been reported in the literature in individuals affected with RUNX1-related conditions. ClinVar contains an entry for this variant (Variation ID: 2060504). An algorithm developed to predict the effect of missense changes on protein structure and function (PolyPhen-2) suggests that this variant is likely to be tolerated. In summary, the available evidence is currently insufficient to determine the role of this variant in disease. Therefore, it has been classified as a Variant of Uncertain Significance.

NM_001754.5(RUNX1):c.803A>G (p.Gln268Arg)

Gene: RUNX1 (RUNX family transcription factor 1; minus strand). Cytogenetic location: 21q22.12.
Variant type: single nucleotide variant.
Coding change: c.803A>G on transcript NM_001754.5 (MANE Select); coding-DNA position 803, A replaced by G.
Protein change: p.Gln268Arg; replaces glutamine 268 with arginine.
Molecular consequence: missense variant.
Genome position (GRCh38, 1-based): chr21:34,834,412, T>C on the plus strand (A>G on the coding strand, the complement: RUNX1 is on the minus strand). VCF-style: chr21-34834412-T-C. GRCh37 (hg19) VCF-style: chr21-36206709-T-C.
Other names: NM_001754.5(RUNX1):c.803A>G; p.Gln268Arg; c.722A>G, p.Gln241Arg (NM_001001890.3, NM_001122607.2); short protein forms Q241R, Q268R.
Identifiers: ClinVar variation 2060504 (VCV002060504.6), dbSNP rs2517037572, ClinGen allele CA410206649.
Genomic context (GRCh38, chr21:34,834,412, plus strand): 5'-TTGTGGGTGGTGGCCCAGGTGCAGGAGAGGCGGGCAGTGGGCTCCATCTGGTACTTACCC[T>C]GCATCTGACTCTGAGGCTGAGGGTTAAAGGCAGTGGAGTGGTTCAGGGAGGCACGAGGGT-3'
Protein context (NP_001745.2, residues 258-278): AFNPQPQSQM[Gln268Arg]DTRQIQPSPP